The following is an entry in ClinVar:

ClinVar aggregate classification (germline): Likely benign (1 of 4 stars; one submission).

Allele frequency attached by ClinVar (database versions not stated): gnomAD 0.00001.
gnomAD v4.1: 1 of 1,208,611 alleles (0.000083%); highest among the groups gnomAD compares: African/African-American, 0.0017%; no homozygotes.

Submission:

Laboratory for Molecular Medicine, Mass General Brigham Personalized Medicine
Classification: Likely benign. Last evaluated: 2015-01-26. Review status: criteria provided, single submitter. Criteria: LMM Criteria. Collection method: clinical testing. Allele origin: germline. Observed: 1 variant allele.
Comment: p.Glu219Glu in exon 5 of LAMP2: This variant is not expected to have clinical si gnificance because it does not alter an amino acid residue and is not located wi thin the splice consensus sequence.

NM_002294.3(LAMP2):c.657A>G (p.Glu219=)

Gene: LAMP2 (lysosomal associated membrane protein 2; minus strand). Cytogenetic location: Xq24.
Variant type: single nucleotide variant.
Coding change: c.657A>G on transcript NM_002294.3 (MANE Select); coding-DNA position 657, A replaced by G.
Protein change: p.Glu219=; no amino-acid change (glutamic acid 219 retained).
Molecular consequence: synonymous variant.
Genome position (GRCh38, 1-based): chrX:120,447,925, T>C on the plus strand (A>G on the coding strand, the complement: LAMP2 is on the minus strand). VCF-style: chrX-120447925-T-C. GRCh37 (hg19) VCF-style: chrX-119581780-T-C.
Other names: c.657A>G, p.Glu219= (NM_001122606.1, NM_013995.2).
Identifiers: ClinVar variation 227485 (VCV000227485.4), dbSNP rs876657484, ClinGen allele CA10577159.